The following is an entry in ClinVar:

ClinVar aggregate classification (germline): Uncertain significance (1 of 4 stars; one submission).

Submission:

Ambry Genetics
Classification: Uncertain significance. Last evaluated: 2025-01-04. Review status: criteria provided, single submitter. Criteria: Ambry Variant Classification Scheme 2023. Collection method: clinical testing. Allele origin: germline.
Comment: The p.S824F variant (also known as c.2471C>T), located in coding exon 13 of the GEN1 gene, results from a C to T substitution at nucleotide position 2471. The serine at codon 824 is replaced by phenylalanine, an amino acid with highly dissimilar properties. This amino acid position is conserved. In addition, this alteration is predicted to be tolerated by in silico analysis. Based on the available evidence, the clinical significance of this variant remains unclear.

NM_001130009.3(GEN1):c.2471C>T (p.Ser824Phe)

Gene: GEN1 (GEN1 Holliday junction 5' flap endonuclease; plus strand). Cytogenetic location: 2p24.2.
Variant type: single nucleotide variant.
Coding change: c.2471C>T on transcript NM_001130009.3 (MANE Select); coding-DNA position 2471, C replaced by T.
Protein change: p.Ser824Phe; replaces serine 824 with phenylalanine.
Molecular consequence: missense variant.
Genome position (GRCh38, 1-based): chr2:17,781,683, C>T. VCF-style: chr2-17781683-C-T. GRCh37 (hg19) VCF-style: chr2-17962950-C-T.
Other names: c.2471C>T, p.Ser824Phe (NM_182625.5); short protein forms S824F.
Identifiers: ClinVar variation 3853480 (VCV003853480.1).